The following is an entry in ClinVar:

ClinVar aggregate classification (germline): Pathogenic (1 of 4 stars; one submission).

Conditions:
Arginase deficiency. Also called: ARGININEMIA; Arginase 1 Deficiency; ARG1 DEFICIENCY. Identifiers: Orphanet 90, MedGen C0268548, MONDO:0008814, OMIM 207800.

Submission:

Labcorp Genetics (formerly Invitae), Labcorp
Classification: Pathogenic for Arginase deficiency. Last evaluated: 2019-01-09. Review status: criteria provided, single submitter. Criteria: Invitae Variant Classification Sherloc (09022015). Collection method: clinical testing. Allele origin: germline.
Comment: This sequence change creates a premature translational stop signal (p.Arg113Glnfs*5) in the ARG1 gene. It is expected to result in an absent or disrupted protein product. This variant is not present in population databases (ExAC no frequency). This variant has not been reported in the literature in individuals with ARG1-related conditions. Loss-of-function variants in ARG1 are known to be pathogenic (PMID: 7649538, 12052859). For these reasons, this variant has been classified as Pathogenic.

Literature cited by the submitters: PubMed 7649538; PubMed 12052859.

NM_000045.4(ARG1):c.336dup (p.Arg113fs)

Genes: ARG1 (arginase 1; plus strand), MED23 (mediator complex subunit 23; minus strand). Cytogenetic location: 6q23.2.
Variant type: Duplication.
Coding change: c.336dup on transcript NM_000045.4 (MANE Select); coding-DNA position 336, one base duplicated (C; older notation c.336dupC).
Protein change: p.Arg113fs; shifts the reading frame from arginine 113.
Molecular consequence: frameshift variant. On other transcripts: non-coding transcript variant (1), intron variant (3).
Genome position (GRCh38, 1-based): chr6:131,581,249, C duplicated; the last of 2 consecutive C bases (chr6:131,581,248-131,581,249); duplicating either gives the same sequence. VCF-style (leftmost placement, unchanged base first): chr6-131581247-G-GC. GRCh37 (hg19) VCF-style: chr6-131902387-G-GC.
Other names: c.360dup, p.Arg121fs (NM_001244438.2); c.306-1811dup (NM_001369020.1); c.4077+6461dup (NM_001270521.2); c.4095+6461dup (NM_015979.4); short protein forms R121fs, R113fs.
Identifiers: ClinVar variation 839881 (VCV000839881.9), dbSNP rs1773906992, ClinGen allele CA916082897.